The following is an entry in ClinVar:

ClinVar aggregate classification (germline): Benign (1 of 4 stars; one submission).

Allele frequency attached by ClinVar (database versions not stated): 1000 Genomes Project 0.03135; 1000 Genomes Project 30x 0.03139; gnomAD exomes 0.03983; gnomAD 0.04662 and 0.04921; TOPMed 0.05140.
gnomAD v4.1: 58,326 of 1,433,694 alleles (4.1%); highest among the groups gnomAD compares: African/African-American, 7.5%; 1,296 homozygotes.

Submissions (7):

GeneDx
Classification: Benign. Last evaluated: 2018-06-14. Review status: criteria provided, single submitter. Criteria: GeneDx Variant Classification (06012015). Collection method: clinical testing. Allele origin: germline. Affected: yes.
Comment: This variant is considered likely benign or benign based on one or more of the following criteria: it is a conservative change, it occurs at a poorly conserved position in the protein, it is predicted to be benign by multiple in silico algorithms, and/or has population frequency not consistent with disease.

Dr. Peter K. Rogan Lab, Western University
No classification provided (evidence only). Condition: Acute myeloid leukemia. Review status: no classification provided. Collection method: in vitro. Allele origin: not applicable. Functional consequence: retained intron. Not counted in ClinVar's aggregate classification.

Dr. Peter K. Rogan Lab, Western University
No classification provided (evidence only). Condition: Acute myeloid leukemia. Review status: no classification provided. Collection method: in vitro. Allele origin: not applicable. Functional consequence: retained intron. Not counted in ClinVar's aggregate classification.

Dr. Peter K. Rogan Lab, Western University
No classification provided (evidence only). Condition: Malignant lymphoma, large B-cell, diffuse. Review status: no classification provided. Collection method: in vitro. Allele origin: not applicable. Functional consequence: retained intron. Not counted in ClinVar's aggregate classification.

Dr. Peter K. Rogan Lab, Western University
No classification provided (evidence only). Condition: Thymoma. Review status: no classification provided. Collection method: in vitro. Allele origin: not applicable. Functional consequence: retained intron. Not counted in ClinVar's aggregate classification.

Dr. Peter K. Rogan Lab, Western University
No classification provided (evidence only). Condition: Gastric cancer. Review status: no classification provided. Collection method: in vitro. Allele origin: not applicable. Functional consequence: retained intron. Not counted in ClinVar's aggregate classification.

Dr. Peter K. Rogan Lab, Western University
No classification provided (evidence only). Condition: Uterine carcinosarcoma. Review status: no classification provided. Collection method: in vitro. Allele origin: not applicable. Functional consequence: retained intron. Not counted in ClinVar's aggregate classification.

NM_002047.4(GARS1):c.1613+96C>T

Gene: GARS1 (glycyl-tRNA synthetase 1; plus strand). Cytogenetic location: 7p14.3.
Variant type: single nucleotide variant.
Coding change: c.1613+96C>T on transcript NM_002047.4 (MANE Select); 96 bases into the intron after coding-DNA position 1613, C replaced by T.
Molecular consequence: intron variant.
Genome position (GRCh38, 1-based): chr7:30,622,558, C>T. VCF-style: chr7-30622558-C-T. GRCh37 (hg19) VCF-style: chr7-30662174-C-T.
Other names: NC_000007.13:g.30662174C>T; c.1451+96C>T (NM_001316772.1).
Identifiers: ClinVar variation 676235 (VCV000676235.2), dbSNP rs17159291, ClinGen allele CA12697710.